The following is an entry in ClinVar:

NM_033380.3(COL4A5):c.829C>T (p.Pro277Ser)

Gene: COL4A5 (collagen type IV alpha 5 chain; plus strand). Cytogenetic location: Xq22.3.
Variant type: single nucleotide variant.
Coding change: c.829C>T on transcript NM_033380.3 (MANE Select); coding-DNA position 829, C replaced by T.
Protein change: p.Pro277Ser; replaces proline 277 with serine.
Molecular consequence: missense variant.
Genome position (GRCh38, 1-based): chrX:108,580,581, C>T. VCF-style: chrX-108580581-C-T. GRCh37 (hg19) VCF-style: chrX-107823811-C-T.
Other names: c.829C>T, p.Pro277Ser (NM_000495.5); short protein forms P277S.
Identifiers: ClinVar variation 1500567 (VCV001500567.5), dbSNP rs755102850, ClinGen allele CA10488575.

ClinVar aggregate classification (germline): Uncertain significance (1 of 4 stars; one submission).

Allele frequency attached by ClinVar (database versions not stated): gnomAD exomes below 0.00001 and 0.00001; ExAC 0.00001; gnomAD 0.00003.

Submission:

Labcorp Genetics (formerly Invitae), Labcorp
Classification: Uncertain significance. Last evaluated: 2021-10-14. Review status: criteria provided, single submitter. Criteria: Invitae Variant Classification Sherloc (09022015). Collection method: clinical testing. Allele origin: germline.
Comment: This sequence change replaces proline with serine at codon 277 of the COL4A5 protein (p.Pro277Ser). The proline residue is highly conserved and there is a moderate physicochemical difference between proline and serine. This variant is present in population databases (rs755102850, ExAC 0.002%), including at least one homozygous and/or hemizygous individual. This variant has not been reported in the literature in individuals affected with COL4A5-related conditions. Algorithms developed to predict the effect of missense changes on protein structure and function are either unavailable or do not agree on the potential impact of this missense change (SIFT: "Deleterious"; PolyPhen-2: "Not Available"; Align-GVGD: "Class C0"). In summary, the available evidence is currently insufficient to determine the role of this variant in disease. Therefore, it has been classified as a Variant of Uncertain Significance.